The following is an entry in ClinVar:

ClinVar aggregate classification (germline): Conflicting classifications of pathogenicity. Review status: criteria provided, conflicting classifications (1 of 4 stars). 4 submissions from 4 submitters: Uncertain significance (3); Likely benign (1). Last evaluated 2026-03-10.

Conditions:
Cardiofaciocutaneous syndrome 3 (CFC3). Also called: MAP2K1-Related Cardiofaciocutaneous Syndrome. Identifiers: Orphanet 1340, MedGen C3809006, MONDO:0014113, OMIM 615279.
Noonan syndrome 1 (NS1). Also called: FEMALE PSEUDO-TURNER SYNDROME; TURNER PHENOTYPE WITH NORMAL KARYOTYPE; PTPN11-Related Noonan Syndrome. Identifiers: Orphanet 648, MedGen C4551602, MONDO:0008104, OMIM 163950. Disease mechanism: gain of function.
Melorheostosis (MEL). Also called: MELORHEOSTOSIS, ISOLATED. Identifiers: Orphanet 2485, MedGen C3149631, MONDO:0007970, OMIM 155950, HP:6000817.
RASopathy. Also called: Noonan spectrum disorder; rasopathies. Identifiers: Orphanet 536391, MedGen C5555857, MONDO:0021060.
Noonan syndrome and Noonan-related syndrome. Identifiers: Orphanet 98733, MedGen C5681679, MONDO:0020297.

Allele frequency attached by ClinVar (database versions not stated): gnomAD 0.00001; gnomAD exomes 0.00002; TOPMed below 0.00001; ExAC 0.00001.
gnomAD v4.1: 7 of 1,613,998 alleles (0.00043%); highest among the groups gnomAD compares: South Asian, 0.0044%; no homozygotes.

Submissions (4):

Women's Health and Genetics/Laboratory Corporation of America, LabCorp
Classification: Uncertain significance. Last evaluated: 2026-03-10. Review status: criteria provided, single submitter. Criteria: LabCorp Variant Classification Summary - May 2015. Collection method: clinical testing. Allele origin: germline.
Comment: Variant summary: MAP2K1 c.1138G>A (p.Gly380Ser) results in a non-conservative amino acid change in the encoded protein sequence. Algorithms developed to predict the effect of missense changes on protein structure and function are either unavailable or do not agree on the potential impact of this missense change. The variant allele was found at a frequency of 2e-05 in 251374 control chromosomes. The available data on variant occurrences in the general population are insufficient to allow any conclusion about variant significance. To our knowledge, no occurrence of c.1138G>A in individuals affected with MAP2K1-related conditions and no experimental evidence demonstrating its impact on protein function have been reported. ClinVar contains an entry for this variant (Variation ID: 1334255). Based on the evidence outlined above, the variant was classified as uncertain significance.

Labcorp Genetics (formerly Invitae), Labcorp
Classification: Uncertain significance for RASopathy. Last evaluated: 2025-09-02. Review status: criteria provided, single submitter. Criteria: Invitae Variant Classification Sherloc (09022015). Collection method: clinical testing. Allele origin: germline.
Comment: This sequence change replaces glycine, which is neutral and non-polar, with serine, which is neutral and polar, at codon 380 of the MAP2K1 protein (p.Gly380Ser). This variant is present in population databases (rs750934083, gnomAD 0.006%). This variant has not been reported in the literature in individuals affected with MAP2K1-related conditions. ClinVar contains an entry for this variant (Variation ID: 1334255). Invitae Evidence Modeling of protein sequence and biophysical properties (such as structural, functional, and spatial information, amino acid conservation, physicochemical variation, residue mobility, and thermodynamic stability) has been performed for this missense variant. However, the output from this modeling did not meet the statistical confidence thresholds required to predict the impact of this variant on MAP2K1 protein function. In summary, the available evidence is currently insufficient to determine the role of this variant in disease. Therefore, it has been classified as a Variant of Uncertain Significance.

Department of Pathology and Laboratory Medicine, Sinai Health System
Classification: Likely benign for Melorheostosis; Noonan syndrome 1; Cardiofaciocutaneous syndrome 3. Last evaluated: 2020-06-02. Review status: criteria provided, single submitter. Criteria: ACMG Guidelines, 2015. Collection method: research. Allele origin: germline.

Genome Diagnostics Laboratory, The Hospital for Sick Children
Classification: Uncertain significance for Noonan syndrome and Noonan-related syndrome. Last evaluated: 2018-03-01. Review status: criteria provided, single submitter. Criteria: ACMG Guidelines, 2015. Collection method: clinical testing. Allele origin: germline.

NM_002755.4(MAP2K1):c.1138G>A (p.Gly380Ser)

Genes: MAP2K1 (mitogen-activated protein kinase kinase 1; plus strand), SNAPC5 (small nuclear RNA activating complex polypeptide 5; minus strand). Cytogenetic location: 15q22.31.
Variant type: single nucleotide variant.
Coding change: c.1138G>A on transcript NM_002755.4 (MANE Select); coding-DNA position 1138, G replaced by A.
Protein change: p.Gly380Ser; replaces glycine 380 with serine.
Molecular consequence: missense variant. On other transcripts: 3 prime UTR variant (1), non-coding transcript variant (1).
Genome position (GRCh38, 1-based): chr15:66,490,571, G>A. VCF-style: chr15-66490571-G-A. GRCh37 (hg19) VCF-style: chr15-66782909-G-A.
Other names: c.*168C>T (NM_006049.4); c.994G>A, p.Gly332Ser (NM_001411065.1); short protein forms G380S, G332S.
Identifiers: ClinVar variation 1334255 (VCV001334255.49), dbSNP rs750934083, ClinGen allele CA7624170.